The following is an entry in ClinVar:

NM_000554.6(CRX):c.509del (p.Pro170fs)

Gene: CRX (cone-rod homeobox; plus strand). Cytogenetic location: 19q13.33.
Variant type: Deletion.
Coding change: c.509del on transcript NM_000554.6 (MANE Select); coding-DNA position 509, one base deleted (C; older notation c.509delC).
Protein change: p.Pro170fs; shifts the reading frame from proline 170.
Molecular consequence: frameshift variant.
Genome position (GRCh38, 1-based): chr19:47,839,576, C deleted; the last of 4 consecutive C bases (chr19:47,839,573-47,839,576); deleting any one gives the same sequence. VCF-style (leftmost placement, unchanged base first): chr19-47839572-TC-T. GRCh37 (hg19) VCF-style: chr19-48342829-TC-T.
Other names: short protein forms P170fs.
Identifiers: ClinVar variation 1359713 (VCV001359713.6), dbSNP rs2123743184, ClinGen allele CA2573156493.

ClinVar aggregate classification (germline): Pathogenic (1 of 4 stars; one submission).

Conditions:
Cone-rod dystrophy 2 (CORD2). Also called: CONE-ROD RETINAL DYSTROPHY; Cone-rod retinal dystrophy 2. Identifiers: Orphanet 1872, MedGen C3489532, MONDO:0007362, OMIM 120970.
Leber congenital amaurosis 7 (LCA7). Identifiers: Orphanet 65, MedGen C3151192, MONDO:0013449, OMIM 613829.

Submission:

Labcorp Genetics (formerly Invitae), Labcorp
Classification: Pathogenic for Cone-rod dystrophy 2; Leber congenital amaurosis 7. Last evaluated: 2024-04-17. Review status: criteria provided, single submitter. Criteria: Invitae Variant Classification Sherloc (09022015). Collection method: clinical testing. Allele origin: germline.
Comment: This sequence change creates a premature translational stop signal (p.Pro170Leufs*17) in the CRX gene. While this is not anticipated to result in nonsense mediated decay, it is expected to disrupt the last 130 amino acid(s) of the CRX protein. This variant is not present in population databases (gnomAD no frequency). This premature translational stop signal has been observed in individuals with inherited retinal dystrophy (PMID: 30029497, 31626798). ClinVar contains an entry for this variant (Variation ID: 1359713). This variant disrupts a region of the CRX protein in which other variant(s) (p.Tyr258*) have been determined to be pathogenic (PMID: 22968130, 25270190). This suggests that this is a clinically significant region of the protein, and that variants that disrupt it are likely to be disease-causing. For these reasons, this variant has been classified as Pathogenic.

Literature cited by the submitters: PubMed 30029497; PubMed 31626798; PubMed 22968130; PubMed 25270190.